The following is an entry in ClinVar:

NM_000078.3(CETP):c.1017C>T (p.Thr339=)

Gene: CETP (cholesteryl ester transfer protein; plus strand). Cytogenetic location: 16q13.
Variant type: single nucleotide variant.
Coding change: c.1017C>T on transcript NM_000078.3 (MANE Select); coding-DNA position 1017, C replaced by T.
Protein change: p.Thr339=; no amino-acid change (threonine 339 retained).
Molecular consequence: synonymous variant.
Genome position (GRCh38, 1-based): chr16:56,978,126, C>T. VCF-style: chr16-56978126-C-T. GRCh37 (hg19) VCF-style: chr16-57012038-C-T.
Other names: c.837C>T, p.Thr279= (NM_001286085.2).
Identifiers: ClinVar variation 319987 (VCV000319987.9), dbSNP rs138298866, ClinGen allele CA8071199.

ClinVar aggregate classification (germline): Benign/Likely benign. Review status: criteria provided, multiple submitters, no conflicts (2 of 4 stars). 2 submissions from 2 submitters: Benign (1); Likely benign (1). Last evaluated 2025-10-19.

Conditions:
Hyperalphalipoproteinemia 1 (HALP1). Also called: CETP-Related Hyperalphalipoproteinemia; CETP DEFICIENCY. Identifiers: MedGen C3149462, OMIM 143470.

Allele frequency attached by ClinVar (database versions not stated): gnomAD 0.00013 and 0.00014; TOPMed 0.00014; 1000 Genomes Project 30x 0.00016; 1000 Genomes Project 0.00020; gnomAD exomes 0.00020 and 0.00028; ESP Exome Variant Server 0.00023; ExAC 0.00047.
gnomAD v4.1: 305 of 1,614,240 alleles (0.019%); highest among the groups gnomAD compares: Non-Finnish European, 0.024%; no homozygotes.

Submissions (2):

Labcorp Genetics (formerly Invitae), Labcorp
Classification: Likely benign. Last evaluated: 2025-10-19. Review status: criteria provided, single submitter. Criteria: Invitae Variant Classification Sherloc (09022015). Collection method: clinical testing. Allele origin: germline.

Illumina Laboratory Services, Illumina
Classification: Benign for Hyperalphalipoproteinemia 1. Last evaluated: 2018-01-13. Review status: criteria provided, single submitter. Criteria: ICSL Variant Classification Criteria 13 December 2019. Collection method: clinical testing. Allele origin: germline.
Comment: This variant was observed in the ICSL laboratory as part of a predisposition screen in an ostensibly healthy population. It had not been previously curated by ICSL or reported in the Human Gene Mutation Database (HGMD: prior to June 1st, 2018), and was therefore a candidate for classification through an automated scoring system. Utilizing variant allele frequency, disease prevalence and penetrance estimates, and inheritance mode, an automated score was calculated to assess if this variant is too frequent to cause the disease. Based on the score and internal cut-off values, a variant classified as benign is not then subjected to further curation. The score for this variant resulted in a classification of benign for this disease.